The following is an entry in ClinVar:

ClinVar aggregate classification (germline): Likely benign. Review status: criteria provided, multiple submitters, no conflicts (2 of 4 stars). 2 submissions from 2 submitters: Likely benign (2). Last evaluated 2025-12-01.

Allele frequency attached by ClinVar (database versions not stated): gnomAD 0.00005.
gnomAD v4.1: 142 of 1,613,686 alleles (0.0088%); highest among the groups gnomAD compares: Non-Finnish European, 0.011%; no homozygotes.

Submissions (2):

CeGaT Center for Human Genetics Tuebingen
Classification: Likely benign. Last evaluated: 2025-12-01. Review status: criteria provided, single submitter. Criteria: CeGaT Center For Human Genetics Tuebingen Variant Classification Criteria Version 2. Collection method: clinical testing. Allele origin: germline. Affected: yes. Observed: 2 variant alleles.
Comment: FLG: BP4, BP7

Blueprint Genetics
Classification: Likely benign. Last evaluated: 2024-09-24. Review status: criteria provided, single submitter. Criteria: ACMG Guidelines, 2015. Collection method: clinical testing. Allele origin: germline.

NM_002016.2(FLG):c.1596C>T (p.His532=)

Genes: CCDST (cervical cancer associated DHX9 suppressive transcript; plus strand), FLG (filaggrin; minus strand). Cytogenetic location: 1q21.3.
Variant type: single nucleotide variant.
Coding change: c.1596C>T on transcript NM_002016.2 (MANE Select); coding-DNA position 1596, C replaced by T.
Protein change: p.His532=; no amino-acid change (histidine 532 retained).
Molecular consequence: synonymous variant.
Genome position (GRCh38, 1-based): chr1:152,313,290, G>A on the plus strand (C>T on the coding strand, the complement: FLG is on the minus strand). VCF-style: chr1-152313290-G-A. GRCh37 (hg19) VCF-style: chr1-152285766-G-A.
Identifiers: ClinVar variation 2639318 (VCV002639318.25), dbSNP rs765626862, ClinGen allele CA1107563.